The following is an entry in ClinVar:

NM_002474.3(MYH11):c.3755A>T (p.His1252Leu)

Gene: MYH11 (myosin heavy chain 11; minus strand). Cytogenetic location: 16p13.11.
Variant type: single nucleotide variant.
Coding change: c.3755A>T on transcript NM_002474.3 (MANE Select); coding-DNA position 3755, A replaced by T.
Protein change: p.His1252Leu; replaces histidine 1252 with leucine.
Molecular consequence: missense variant.
Genome position (GRCh38, 1-based): chr16:15,726,951, T>A on the plus strand (A>T on the coding strand, the complement: MYH11 is on the minus strand). VCF-style: chr16-15726951-T-A. GRCh37 (hg19) VCF-style: chr16-15820808-T-A.
Other names: c.3755A>T (NM_002474.2); c.3776A>T, p.His1259Leu (NM_001040113.2, NM_001040114.2); c.3755A>T, p.His1252Leu (NM_022844.3); short protein forms H1252L, H1259L.
Identifiers: ClinVar variation 2442815 (VCV002442815.4), dbSNP rs754671760, ClinGen allele CA7921901.

ClinVar aggregate classification (germline): Uncertain significance. Review status: criteria provided, multiple submitters, no conflicts (2 of 4 stars). 4 submissions from 4 submitters: Uncertain significance (4). Last evaluated 2026-07-01.

Conditions:
Aortic aneurysm, familial thoracic 4 (AAT4). Also called: AORTIC ANEURYSM/AORTIC DISSECTION AND PATENT DUCTUS ARTERIOSUS. Identifiers: MedGen C1851504, MONDO:0007568, OMIM 132900.
Familial thoracic aortic aneurysm and aortic dissection (TAAD). Also called: Thoracic aortic aneurysms and dissections. Identifiers: Orphanet 91387, MedGen C4707243, MONDO:0019625.

Submissions (4):

Ambry Genetics
Classification: Uncertain significance for Familial thoracic aortic aneurysm and aortic dissection. Last evaluated: 2026-07-01. Review status: criteria provided, single submitter. Criteria: Ambry Variant Classification Scheme 2023. Collection method: clinical testing. Allele origin: germline.
Comment: The p.H1252L variant (also known as c.3755A>T), located in coding exon 27 of the MYH11 gene, results from an A to T substitution at nucleotide position 3755. The histidine at codon 1252 is replaced by leucine, an amino acid with similar properties. This amino acid position is conserved. In addition, the in silico prediction for this alteration is inconclusive. Based on the available evidence, the clinical significance of this variant remains unclear.

Labcorp Genetics (formerly Invitae), Labcorp
Classification: Uncertain significance for Aortic aneurysm, familial thoracic 4. Last evaluated: 2025-06-18. Review status: criteria provided, single submitter. Criteria: Invitae Variant Classification Sherloc (09022015). Collection method: clinical testing. Allele origin: germline.
Comment: This sequence change replaces histidine, which is basic and polar, with leucine, which is neutral and non-polar, at codon 1259 of the MYH11 protein (p.His1259Leu). This variant is present in population databases (rs754671760, gnomAD 0.0009%). This variant has not been reported in the literature in individuals affected with MYH11-related conditions. ClinVar contains an entry for this variant (Variation ID: 2442815). Invitae Evidence Modeling of protein sequence and biophysical properties (such as structural, functional, and spatial information, amino acid conservation, physicochemical variation, residue mobility, and thermodynamic stability) indicates that this missense variant is not expected to disrupt MYH11 protein function with a negative predictive value of 95%. In summary, the available evidence is currently insufficient to determine the role of this variant in disease. Therefore, it has been classified as a Variant of Uncertain Significance.

Color Diagnostics, LLC DBA Color Health
Classification: Uncertain significance for Familial thoracic aortic aneurysm and aortic dissection. Last evaluated: 2025-06-10. Review status: criteria provided, single submitter. Criteria: ACMG Guidelines, 2015. Collection method: clinical testing. Allele origin: germline.
Comment: This missense variant replaces histidine with leucine at codon 1259 of the MYH11 protein. Computational prediction is inconclusive regarding the impact of this variant on protein structure and function. To our knowledge, functional studies have not been reported for this variant. This variant has not been reported in individuals affected with MYH11-related disorders in the literature. This variant has been identified in 1/251120 chromosomes in the general population by the Genome Aggregation Database (gnomAD). The available evidence is insufficient to determine the role of this variant in disease conclusively. Therefore, this variant is classified as a Variant of Uncertain Significance.

CHEO Genetics Diagnostic Laboratory, Children's Hospital of Eastern Ontario
Classification: Uncertain significance for Familial thoracic aortic aneurysm and aortic dissection. Last evaluated: 2022-04-14. Review status: criteria provided, single submitter. Criteria: ACMG Guidelines, 2015. Collection method: clinical testing. Allele origin: germline.